The following is an entry in ClinVar:

NM_004260.4(RECQL4):c.2555C>T (p.Ala852Val)

Gene: RECQL4 (RecQ like helicase 4; minus strand). Cytogenetic location: 8q24.3.
Variant type: single nucleotide variant.
Coding change: c.2555C>T on transcript NM_004260.4 (MANE Select); coding-DNA position 2555, C replaced by T.
Protein change: p.Ala852Val; replaces alanine 852 with valine.
Molecular consequence: missense variant.
Genome position (GRCh38, 1-based): chr8:144,513,047, G>A on the plus strand (C>T on the coding strand, the complement: RECQL4 is on the minus strand). VCF-style: chr8-144513047-G-A. GRCh37 (hg19) VCF-style: chr8-145738430-G-A.
Other names: short protein forms A852V.
Identifiers: ClinVar variation 840673 (VCV000840673.7), dbSNP rs539160096, ClinGen allele CA4948187.

ClinVar aggregate classification (germline): Uncertain significance (1 of 4 stars; one submission).

Conditions:
Baller-Gerold syndrome (BGS). Also called: CRANIOSYNOSTOSIS WITH RADIAL DEFECTS. Identifiers: Orphanet 1225, MedGen C0265308, MONDO:0009039, OMIM 218600.

Allele frequency attached by ClinVar (database versions not stated): gnomAD 0.00001 and 0.00002; gnomAD exomes 0.00001 and 0.00004; TOPMed 0.00001; ExAC 0.00006; 1000 Genomes Project 30x 0.00016; 1000 Genomes Project 0.00020.
gnomAD v4.1: 22 of 1,579,226 alleles (0.0014%); highest among the groups gnomAD compares: South Asian, 0.0058%; no homozygotes.

Submission:

Labcorp Genetics (formerly Invitae), Labcorp
Classification: Uncertain significance for Baller-Gerold syndrome. Last evaluated: 2025-11-03. Review status: criteria provided, single submitter. Criteria: Invitae Variant Classification Sherloc (09022015). Collection method: clinical testing. Allele origin: germline.
Comment: This sequence change replaces alanine, which is neutral and non-polar, with valine, which is neutral and non-polar, at codon 852 of the RECQL4 protein (p.Ala852Val). This variant is present in population databases (rs539160096, gnomAD 0.009%). This variant has not been reported in the literature in individuals affected with RECQL4-related conditions. ClinVar contains an entry for this variant (Variation ID: 840673). Invitae Evidence Modeling of protein sequence and biophysical properties (such as structural, functional, and spatial information, amino acid conservation, physicochemical variation, residue mobility, and thermodynamic stability) indicates that this missense variant is not expected to disrupt RECQL4 protein function with a negative predictive value of 80%. In summary, the available evidence is currently insufficient to determine the role of this variant in disease. Therefore, it has been classified as a Variant of Uncertain Significance.